The following is an entry in ClinVar:

ClinVar aggregate classification (germline): Uncertain significance (1 of 4 stars; one submission).

Conditions:
Familial adenomatous polyposis 1 (FAP1). Also called: FAMILIAL ADENOMATOUS POLYPOSIS 1, ATTENUATED; POLYPOSIS, ADENOMATOUS INTESTINAL. Identifiers: MedGen C2713442, MONDO:0021056, OMIM 175100. Disease mechanism: loss of function.

Submission:

Labcorp Genetics (formerly Invitae), Labcorp
Classification: Uncertain significance for Familial adenomatous polyposis 1. Last evaluated: 2019-04-20. Review status: criteria provided, single submitter. Criteria: Invitae Variant Classification Sherloc (09022015). Collection method: clinical testing. Allele origin: germline.
Comment: This variant occurs in a non-coding region of the APC gene. It does not change the encoded amino acid sequence of the APC protein. The frequency data for this variant in the population databases is considered unreliable, as metrics indicate insufficient coverage at this position in the ExAC database. This variant has not been reported in the literature in individuals with APC-related conditions. Experimental studies and prediction algorithms are not available for this variant, and the functional significance of this non-coding change is currently unknown. In summary, the available evidence is currently insufficient to determine the role of this variant in disease. Therefore, it has been classified as a Variant of Uncertain Significance.

NM_001127511.3(APC):c.100_101del (p.Val34fs)

Gene: APC (APC regulator of Wnt signaling pathway; plus strand). Cytogenetic location: 5q22.2.
Variant type: Deletion.
Coding change: c.100_101del on transcript NM_001127511.3; coding-DNA positions 100 to 101, 2 bases deleted (GT; older notation c.100_101delGT).
Protein change: p.Val34fs; shifts the reading frame from valine 34.
Molecular consequence: frameshift variant. On other transcripts: 5 prime UTR variant (8), non-coding transcript variant (1), intron variant (5).
Genome position (GRCh38, 1-based): chr5:112,707,817-112,707,818, GT deleted. VCF-style (leftmost placement, unchanged base first): chr5-112707816-CGT-C. GRCh37 (hg19) VCF-style: chr5-112043513-CGT-C.
Other names: c.-84_-83del (NM_001407456.1, NM_001407460.1, NM_001407469.1 and 3 more transcripts); c.-1119_-1118del (NM_001407470.1, NM_001407472.1); c.-19+168_-19+169del (NM_001407448.1, NM_001407450.1, NM_001407457.1 and 1 more transcripts); c.-43+168_-43+169del (NM_001407453.1); c.100_101del, p.Val34fs (NM_001354897.2, NM_001354902.2, NM_001407446.1); short protein forms V34fs.
Identifiers: ClinVar variation 1039141 (VCV001039141.9), dbSNP rs1750611348, ClinGen allele CA1573442749.